The following is an entry in ClinVar:

ClinVar aggregate classification (germline): Conflicting classifications of pathogenicity. Review status: criteria provided, conflicting classifications (1 of 4 stars). 15 submissions from 15 submitters: Uncertain significance (3); Likely benign (6). 6 of the submissions do not count toward it. Last evaluated 2026-01-29.

Conditions:
EVC-related disorder. Also called: EVC-related disorders; EVC-related condition.
Curry-Hall syndrome (WAD). Also called: WEYERS ACRODENTAL DYSOSTOSIS. Identifiers: Orphanet 952, MedGen C0457013, MONDO:0008673, OMIM 193530.
Ellis-van Creveld syndrome (EVC). Also called: Chondroectodermal dysplasia; MESOECTODERMAL DYSPLASIA. Identifiers: Orphanet 289, MedGen C0013903, MONDO:0009162, OMIM 225500.

Allele frequency attached by ClinVar (database versions not stated): 1000 Genomes Project 30x 0.00109; 1000 Genomes Project 0.00120; gnomAD 0.00190 and 0.00194; TOPMed 0.00214; gnomAD exomes 0.00218 and 0.00252; ExAC 0.00225; ESP Exome Variant Server 0.00261.
gnomAD v4.1: 3,942 of 1,614,140 alleles (0.24%); highest among the groups gnomAD compares: Non-Finnish European, 0.28%; 7 homozygotes.

Submissions (15):

Labcorp Genetics (formerly Invitae), Labcorp
Classification: Likely benign for Curry-Hall syndrome; Ellis-van Creveld syndrome. Last evaluated: 2026-01-29. Review status: criteria provided, single submitter. Criteria: Invitae Variant Classification Sherloc (09022015). Collection method: clinical testing. Allele origin: germline.

ARUP Laboratories, Molecular Genetics and Genomics, ARUP Laboratories
Classification: Likely benign. Last evaluated: 2025-05-06. Review status: criteria provided, single submitter. Criteria: ARUP Molecular Germline Variant Investigation Process 2024. Collection method: clinical testing. Allele origin: germline.

CeGaT Center for Human Genetics Tuebingen
Classification: Likely benign. Last evaluated: 2024-12-01. Review status: criteria provided, single submitter. Criteria: CeGaT Center For Human Genetics Tuebingen Variant Classification Criteria Version 2. Collection method: clinical testing. Allele origin: germline. Affected: yes. Observed: 3 variant alleles.
Comment: EVC: BP4, BS2

Blueprint Genetics
Classification: Likely benign. Last evaluated: 2024-11-26. Review status: criteria provided, single submitter. Criteria: ACMG Guidelines, 2015. Collection method: clinical testing. Allele origin: germline.

Women's Health and Genetics/Laboratory Corporation of America, LabCorp
Classification: Uncertain significance. Last evaluated: 2023-11-10. Review status: criteria provided, single submitter. Criteria: LabCorp Variant Classification Summary - May 2015. Collection method: clinical testing. Allele origin: germline.
Comment: Variant summary: EVC c.550G>A (p.Asp184Asn) results in a conservative amino acid change in the encoded protein sequence. Three of five in-silico tools predict a benign effect of the variant on protein function. The variant allele was found at a frequency of 0.0022 in 251268 control chromosomes. c.550G>A has been reported in the literature in individuals affected with congenital heart disease (Blue_2014). These report(s) do not provide unequivocal conclusions about association of the variant with Ellis-van Creveld syndrome. To our knowledge, no experimental evidence demonstrating an impact on protein function has been reported. The following publication have been ascertained in the context of this evaluation (PMID: 25500235). Seven submitters have cited clinical-significance assessments for this variant to ClinVar after 2014. Multiple submitters reported the variant with conflicting assessments (likely benign n=4, VUS n=3). Based on the evidence outlined above, the variant was classified as uncertain significance.

Genome-Nilou Lab
Classification: Uncertain significance for Ellis-van Creveld syndrome. Last evaluated: 2021-05-18. Review status: criteria provided, single submitter. Criteria: ACMG Guidelines, 2015. Collection method: clinical testing. Allele origin: germline. Affected: no.

GeneDx
Classification: Likely benign. Last evaluated: 2019-11-29. Review status: criteria provided, single submitter. Criteria: GeneDx Variant Classification Process June 2021. Collection method: clinical testing. Allele origin: germline. Affected: yes.

Illumina Laboratory Services, Illumina
Classification: Likely benign for Ellis-van Creveld syndrome. Last evaluated: 2018-01-13. Review status: criteria provided, single submitter. Criteria: ICSL Variant Classification Criteria 13 December 2019. Collection method: clinical testing. Allele origin: germline.
Comment: This variant was observed in the ICSL laboratory as part of a predisposition screen in an ostensibly healthy population. It had not been previously curated by ICSL or reported in the Human Gene Mutation Database (HGMD: prior to June 1st, 2018), and was therefore a candidate for classification through an automated scoring system. Utilizing variant allele frequency, disease prevalence and penetrance estimates, and inheritance mode, an automated score was calculated to assess if this variant is too frequent to cause the disease. Based on the score and internal cut-off values, a variant classified as likely benign is not then subjected to further curation. The score for this variant resulted in a classification of likely benign for this disease.

Eurofins Ntd Llc (ga)
Classification: Uncertain significance. Last evaluated: 2016-11-09. Review status: criteria provided, single submitter. Criteria: EGL Classification Definitions 2015. Collection method: clinical testing. Allele origin: germline. Observed: 3 variant alleles, 3 heterozygotes.

PreventionGenetics, part of Exact Sciences
Classification: Likely benign for EVC-related condition. Last evaluated: 2020-02-18. Review status: no assertion criteria provided. Collection method: clinical testing. Allele origin: germline. Not counted in ClinVar's aggregate classification.
Comment: This variant is classified as likely benign based on ACMG/AMP sequence variant interpretation guidelines (Richards et al. 2015 PMID: 25741868, with internal and published modifications).

Natera, Inc.
Classification: Likely benign for Ellis-van Creveld syndrome. Last evaluated: 2020-01-09. Review status: no assertion criteria provided. Collection method: clinical testing. Allele origin: germline. Not counted in ClinVar's aggregate classification.

Clinical Genetics DNA and cytogenetics Diagnostics Lab, Erasmus MC, Erasmus Medical Center
Classification: Likely benign. Review status: no assertion criteria provided. Collection method: clinical testing. Allele origin: germline. Affected: yes. Study: VKGL Data-share Consensus. Not counted in ClinVar's aggregate classification.

Diagnostic Laboratory, Department of Genetics, University Medical Center Groningen
Classification: Likely benign. Review status: no assertion criteria provided. Collection method: clinical testing. Allele origin: germline. Affected: yes. Study: VKGL Data-share Consensus. Not counted in ClinVar's aggregate classification.

Genome Diagnostics Laboratory, University Medical Center Utrecht
Classification: Likely benign. Review status: no assertion criteria provided. Collection method: clinical testing. Allele origin: germline. Affected: yes. Study: VKGL Data-share Consensus. Not counted in ClinVar's aggregate classification.

Laboratory of Diagnostic Genome Analysis, Leiden University Medical Center (LUMC)
Classification: Likely benign. Review status: no assertion criteria provided. Collection method: clinical testing. Allele origin: germline. Affected: yes. Study: VKGL Data-share Consensus. Not counted in ClinVar's aggregate classification.

Literature cited by the submitters: PubMed 25500235 (cited by Women's Health and Genetics/Laboratory Corporation of America, LabCorp).

NM_153717.3(EVC):c.550G>A (p.Asp184Asn)

Gene: EVC (EvC ciliary complex subunit 1; plus strand). Cytogenetic location: 4p16.2.
Variant type: single nucleotide variant.
Coding change: c.550G>A on transcript NM_153717.3 (MANE Select); coding-DNA position 550, G replaced by A.
Protein change: p.Asp184Asn; replaces aspartic acid 184 with asparagine.
Molecular consequence: missense variant.
Genome position (GRCh38, 1-based): chr4:5,731,590, G>A. VCF-style: chr4-5731590-G-A. GRCh37 (hg19) VCF-style: chr4-5733317-G-A.
Other names: c.550G>A, p.Asp184Asn (NM_001306090.2, NM_001306092.2); short protein forms D184N.
Identifiers: ClinVar variation 283079 (VCV000283079.64), dbSNP rs41269549, ClinGen allele CA2835734.